The following is an entry in ClinVar:

ClinVar aggregate classification (germline): Uncertain significance (1 of 4 stars; one submission).

Submission:

Ambry Genetics
Classification: Uncertain significance. Last evaluated: 2023-05-14. Review status: criteria provided, single submitter. Criteria: Ambry Variant Classification Scheme 2023. Collection method: clinical testing. Allele origin: germline.
Comment: The p.F1313Y variant (also known as c.3938T>A), located in coding exon 32 of the PRKDC gene, results from a T to A substitution at nucleotide position 3938. The phenylalanine at codon 1313 is replaced by tyrosine, an amino acid with highly similar properties. This amino acid position is conserved. In addition, the in silico prediction for this alteration is inconclusive. Since supporting evidence is limited at this time, the clinical significance of this alteration remains unclear.

NM_006904.7(PRKDC):c.3938T>A (p.Phe1313Tyr)

Gene: PRKDC (protein kinase, DNA-activated, catalytic subunit; minus strand). Cytogenetic location: 8q11.21.
Variant type: single nucleotide variant.
Coding change: c.3938T>A on transcript NM_006904.7 (MANE Select); coding-DNA position 3938, T replaced by A.
Protein change: p.Phe1313Tyr; replaces phenylalanine 1313 with tyrosine.
Molecular consequence: missense variant.
Genome position (GRCh38, 1-based): chr8:47,890,390, A>T on the plus strand (T>A on the coding strand, the complement: PRKDC is on the minus strand). VCF-style: chr8-47890390-A-T. GRCh37 (hg19) VCF-style: chr8-48802951-A-T.
Other names: c.3938T>A, p.Phe1313Tyr (NM_001081640.2); short protein forms F1313Y.
Identifiers: ClinVar variation 2564554 (VCV002564554.2), dbSNP rs2551873959, ClinGen allele CA371148804.